The following is an entry in ClinVar:

ClinVar aggregate classification (germline): Pathogenic. Review status: criteria provided, single submitter (1 of 4 stars). 2 submissions from 2 submitters: Pathogenic (1). 1 of the submissions does not count toward it. Last evaluated 2021-05-28.

Conditions:
Von Hippel-Lindau syndrome (VHLS). Also called: Von Hippel-Lindau; von Hippel–Lindau syndrome; VHL syndrome. Identifiers: Orphanet 892, MedGen C0019562, MONDO:0008667, OMIM 193300. Disease mechanism: loss of function.
Chuvash polycythemia. Also called: POLYCYTHEMIA, VHL-DEPENDENT. Identifiers: Orphanet 238557, MedGen C1837915, MONDO:0009892, OMIM 263400.

Submissions (2):

Labcorp Genetics (formerly Invitae), Labcorp
Classification: Pathogenic for Von Hippel-Lindau syndrome; Chuvash polycythemia. Last evaluated: 2021-05-28. Review status: criteria provided, single submitter. Criteria: Invitae Variant Classification Sherloc (09022015). Collection method: clinical testing. Allele origin: germline.
Comment: For these reasons, this variant has been classified as Pathogenic. This sequence change replaces alanine with proline at codon 149 of the VHL protein (p.Ala149Pro). The alanine residue is moderately conserved and there is a small physicochemical difference between alanine and proline. This variant is not present in population databases (ExAC no frequency). This variant has been observed in individual(s) with clinical features of von-Hippel Lindau syndrome (Invitae). It has also been observed to segregate with disease in related individuals. ClinVar contains an entry for this variant (Variation ID: 223214). Advanced modeling of protein sequence and biophysical properties (such as structural, functional, and spatial information, amino acid conservation, physicochemical variation, residue mobility, and thermodynamic stability) performed at Invitae indicates that this missense variant is expected to disrupt VHL protein function. This variant disrupts the p.Ala149 amino acid residue in VHL. Other variant(s) that disrupt this residue have been determined to be pathogenic (PMID: 9435426, 23673869, Invitae). This suggests that this residue is clinically significant, and that variants that disrupt this residue are likely to be disease-causing.

Genomic Diagnostic Laboratory, Division of Genomic Diagnostics, Children's Hospital of Philadelphia
Classification: Uncertain significance for Von Hippel-Lindau syndrome. Last evaluated: 2016-02-26. Review status: no assertion criteria provided. Collection method: clinical testing. Allele origin: germline. Affected: yes. Observed: 2 variant alleles. Not counted in ClinVar's aggregate classification.

Literature cited by the submitters: PubMed 9435426 (cited by Labcorp Genetics (formerly Invitae), Labcorp); PubMed 23673869 (cited by Labcorp Genetics (formerly Invitae), Labcorp).

NM_000551.4(VHL):c.445G>C (p.Ala149Pro)

Genes: VHL (von Hippel-Lindau tumor suppressor; plus strand), LOC107303340 (3p25 von Hippel-Lindau tumor suppressor, E3 ubiquitin protein ligase Alu-mediated recombination region; plus strand). Cytogenetic location: 3p25.3.
Variant type: single nucleotide variant.
Coding change: c.445G>C on transcript NM_000551.4 (MANE Select); coding-DNA position 445, G replaced by C.
Protein change: p.Ala149Pro; replaces alanine 149 with proline.
Molecular consequence: missense variant. On other transcripts: intron variant (2).
Genome position (GRCh38, 1-based): chr3:10,146,618, G>C. VCF-style: chr3-10146618-G-C. GRCh37 (hg19) VCF-style: chr3-10188302-G-C.
Other names: c.*18-3169G>C (NM_001354723.2); c.341-3169G>C (NM_198156.3); short protein forms A149P.
Identifiers: ClinVar variation 223214 (VCV000223214.9), dbSNP rs587780077, ClinGen allele CA357120.